The following is an entry in ClinVar:

NM_053025.4(MYLK):c.1752A>G (p.Leu584=)

Gene: MYLK (myosin light chain kinase; minus strand). Cytogenetic location: 3q21.1.
Variant type: single nucleotide variant.
Coding change: c.1752A>G on transcript NM_053025.4 (MANE Select); coding-DNA position 1752, A replaced by G.
Protein change: p.Leu584=; no amino-acid change (leucine 584 retained).
Molecular consequence: synonymous variant.
Genome position (GRCh38, 1-based): chr3:123,722,180, T>C on the plus strand (A>G on the coding strand, the complement: MYLK is on the minus strand). VCF-style: chr3-123722180-T-C. GRCh37 (hg19) VCF-style: chr3-123441027-T-C.
Other names: c.1224A>G, p.Leu408= (NM_001321309.2); c.1545A>G, p.Leu515= (NM_053026.4, NM_053028.4); c.1752A>G, p.Leu584= (NM_053027.4).
Identifiers: ClinVar variation 519969 (VCV000519969.35), dbSNP rs775877814, ClinGen allele CA067456.

ClinVar aggregate classification (germline): Conflicting classifications of pathogenicity. Review status: criteria provided, conflicting classifications (1 of 4 stars). 5 submissions from 5 submitters: Uncertain significance (1); Likely benign (4). Last evaluated 2025-10-23.

Conditions:
Familial thoracic aortic aneurysm and aortic dissection (TAAD). Also called: Thoracic aortic aneurysms and dissections. Identifiers: Orphanet 91387, MedGen C4707243, MONDO:0019625.
Aortic aneurysm, familial thoracic 7 (AAT7). Also called: AORTIC DISSECTION, FAMILIAL, WITH OR WITHOUT AORTIC ANEURYSM. Identifiers: MedGen C3151077, MONDO:0013418, OMIM 613780.

Allele frequency attached by ClinVar (database versions not stated): ExAC 0.00004; gnomAD exomes 0.00004; TOPMed 0.00004; gnomAD 0.00005 and 0.00006.
gnomAD v4.1: 69 of 1,562,482 alleles (0.0044%); highest among the groups gnomAD compares: African/African-American, 0.011%; no homozygotes.

Submissions (5):

Labcorp Genetics (formerly Invitae), Labcorp
Classification: Likely benign for Aortic aneurysm, familial thoracic 7. Last evaluated: 2025-10-23. Review status: criteria provided, single submitter. Criteria: Invitae Variant Classification Sherloc (09022015). Collection method: clinical testing. Allele origin: germline.

CeGaT Center for Human Genetics Tuebingen
Classification: Likely benign. Last evaluated: 2025-02-01. Review status: criteria provided, single submitter. Criteria: CeGaT Center For Human Genetics Tuebingen Variant Classification Criteria Version 2. Collection method: clinical testing. Allele origin: germline. Affected: yes. Observed: 1 variant allele.
Comment: MYLK: BP4, BP7

Women's Health and Genetics/Laboratory Corporation of America, LabCorp
Classification: Likely benign. Last evaluated: 2021-04-08. Review status: criteria provided, single submitter. Criteria: LabCorp Variant Classification Summary - May 2015. Collection method: clinical testing. Allele origin: germline.

Illumina Laboratory Services, Illumina
Classification: Uncertain significance for Aortic aneurysm, familial thoracic 7. Last evaluated: 2018-01-13. Review status: criteria provided, single submitter. Criteria: ICSL Variant Classification Criteria 13 December 2019. Collection method: clinical testing. Allele origin: germline.

Ambry Genetics
Classification: Likely benign for Familial thoracic aortic aneurysm and aortic dissection. Last evaluated: 2016-02-19. Review status: criteria provided, single submitter. Criteria: Ambry Variant Classification Scheme 2023. Collection method: clinical testing. Allele origin: germline.